The following is an entry in ClinVar:

ClinVar aggregate classification (germline): Uncertain significance. Review status: criteria provided, multiple submitters, no conflicts (2 of 4 stars). 2 submissions from 2 submitters: Uncertain significance (2). Last evaluated 2025-06-18.

Conditions:
Inborn genetic diseases. Identifiers: MedGen C0950123, MeSH D030342.

gnomAD v4.1: 10 of 1,587,894 alleles (0.00063%); highest among the groups gnomAD compares: East Asian, 0.0022%; no homozygotes.

Submissions (2):

Ambry Genetics
Classification: Uncertain significance for Inborn genetic diseases. Last evaluated: 2025-06-18. Review status: criteria provided, single submitter. Criteria: Ambry Variant Classification Scheme 2023. Collection method: clinical testing. Allele origin: germline.

CeGaT Center for Human Genetics Tuebingen
Classification: Uncertain significance. Last evaluated: 2025-05-01. Review status: criteria provided, single submitter. Criteria: CeGaT Center For Human Genetics Tuebingen Variant Classification Criteria Version 2. Collection method: clinical testing. Allele origin: germline. Affected: yes. Observed: 1 variant allele.
Comment: PKD1: PM2, BP4

NM_001009944.3(PKD1):c.3280A>G (p.Thr1094Ala)

Gene: PKD1 (polycystin 1, transient receptor potential channel interacting; minus strand). Cytogenetic location: 16p13.3.
Variant type: single nucleotide variant.
Coding change: c.3280A>G on transcript NM_001009944.3 (MANE Select); coding-DNA position 3280, A replaced by G.
Protein change: p.Thr1094Ala; replaces threonine 1094 with alanine.
Molecular consequence: missense variant.
Genome position (GRCh38, 1-based): chr16:2,112,355, T>C on the plus strand (A>G on the coding strand, the complement: PKD1 is on the minus strand). VCF-style: chr16-2112355-T-C. GRCh37 (hg19) VCF-style: chr16-2162356-T-C.
Other names: c.3280A>G, p.Thr1094Ala (NM_000296.4); c.3280A>G (NM_000296.3); short protein forms T1094A.
Identifiers: ClinVar variation 3905474 (VCV003905474.11).